The following is an entry in ClinVar:

ClinVar aggregate classification (germline): Uncertain significance (1 of 4 stars; one submission).

gnomAD v4.1: 2 of 1,209,146 alleles (0.00017%); highest among the groups gnomAD compares: South Asian, 0.0018%; no homozygotes.

Submission:

Women's Health and Genetics/Laboratory Corporation of America, LabCorp
Classification: Uncertain significance. Last evaluated: 2026-01-19. Review status: criteria provided, single submitter. Criteria: LabCorp Variant Classification Summary - May 2015. Collection method: clinical testing. Allele origin: germline.
Comment: Variant summary: DMD c.1823C>A (p.Ala608Glu) results in a non-conservative amino acid change in the encoded protein sequence. Algorithms developed to predict the effect of missense changes on protein structure and function are either unavailable or do not agree on the potential impact of this missense change. The variant allele was found at a frequency of 5.5e-06 in 180845 control chromosomes. The available data on variant occurrences in the general population are insufficient to allow any conclusion about variant significance. To our knowledge, no occurrence of c.1823C>A in individuals affected with DMD-related conditions and no experimental evidence demonstrating its impact on protein function have been reported. No submitters have cited clinical-significance assessments for this variant to ClinVar. Based on the evidence outlined above, the variant was classified as uncertain significance.

NM_004006.3(DMD):c.1823C>A (p.Ala608Glu)

Gene: DMD (dystrophin; minus strand). Cytogenetic location: Xp21.1.
Variant type: single nucleotide variant.
Coding change: c.1823C>A on transcript NM_004006.3 (MANE Select); coding-DNA position 1823, C replaced by A.
Protein change: p.Ala608Glu; replaces alanine 608 with glutamic acid.
Molecular consequence: missense variant.
Genome position (GRCh38, 1-based): chrX:32,565,871, G>T on the plus strand (C>A on the coding strand, the complement: DMD is on the minus strand). VCF-style: chrX-32565871-G-T. GRCh37 (hg19) VCF-style: chrX-32583988-G-T.
Other names: c.1799C>A, p.Ala600Glu (NM_000109.4); c.1811C>A, p.Ala604Glu (NM_004009.3); c.1454C>A, p.Ala485Glu (NM_004010.3); short protein forms A485E, A600E, A604E, A608E.
Identifiers: ClinVar variation 4689304 (VCV004689304.1).